The following is an entry in ClinVar:

ClinVar aggregate classification (germline): Likely pathogenic (1 of 4 stars; one submission).

Conditions:
X-linked Alport syndrome (ATS1). Also called: COL4A5-Related Nephropathy; NEPHROPATHY AND DEAFNESS, X-LINKED. Identifiers: Orphanet 63, Orphanet 88917, MedGen C4746986, MONDO:0010520, OMIM 301050.

Submission:

MVZ Medizinische Genetik Mainz
Classification: Likely pathogenic for X-linked Alport syndrome. Last evaluated: 2023-10-10. Review status: criteria provided, single submitter. Criteria: UK Practice Guidelines For Variant Classification V4 01 2020. Collection method: clinical testing. Allele origin: germline. Inheritance: X-linked dominant inheritance. Affected: yes. Observed: 1 variant allele.
Comment: ACMG Criteria: PM1_STR,PM2_SUP,PP3,PP4

NM_033380.3(COL4A5):c.4135G>A (p.Gly1379Arg)

Gene: COL4A5 (collagen type IV alpha 5 chain; plus strand). Cytogenetic location: Xq22.3.
Variant type: single nucleotide variant.
Coding change: c.4135G>A on transcript NM_033380.3 (MANE Select); coding-DNA position 4135, G replaced by A.
Protein change: p.Gly1379Arg; replaces glycine 1379 with arginine.
Molecular consequence: missense variant.
Genome position (GRCh38, 1-based): chrX:108,681,807, G>A. VCF-style: chrX-108681807-G-A. GRCh37 (hg19) VCF-style: chrX-107925037-G-A.
Other names: c.4117G>A, p.Gly1373Arg (NM_000495.5); short protein forms G1373R, G1379R.
Identifiers: ClinVar variation 3235212 (VCV003235212.1), dbSNP rs2524616549.